The following is an entry in ClinVar:

ClinVar aggregate classification (germline): Uncertain significance (1 of 4 stars; one submission).

Submission:

Labcorp Genetics (formerly Invitae), Labcorp
Classification: Uncertain significance. Last evaluated: 2023-08-10. Review status: criteria provided, single submitter. Criteria: Invitae Variant Classification Sherloc (09022015). Collection method: clinical testing. Allele origin: germline.
Comment: This variant is not present in population databases (gnomAD no frequency). This sequence change replaces valine, which is neutral and non-polar, with phenylalanine, which is neutral and non-polar, at codon 1363 of the OBSL1 protein (p.Val1363Phe). This variant has not been reported in the literature in individuals affected with OBSL1-related conditions. In summary, the available evidence is currently insufficient to determine the role of this variant in disease. Therefore, it has been classified as a Variant of Uncertain Significance. An algorithm developed to predict the effect of missense changes on protein structure and function (PolyPhen-2) suggests that this variant is likely to be disruptive. ClinVar contains an entry for this variant (Variation ID: 1916653).

NM_015311.3(OBSL1):c.4087G>T (p.Val1363Phe)

Gene: OBSL1 (obscurin like cytoskeletal adaptor 1; minus strand). Cytogenetic location: 2q35.
Variant type: single nucleotide variant.
Coding change: c.4087G>T on transcript NM_015311.3 (MANE Select); coding-DNA position 4087, G replaced by T.
Protein change: p.Val1363Phe; replaces valine 1363 with phenylalanine.
Molecular consequence: missense variant.
Genome position (GRCh38, 1-based): chr2:219,556,703, C>A on the plus strand (G>T on the coding strand, the complement: OBSL1 is on the minus strand). VCF-style: chr2-219556703-C-A. GRCh37 (hg19) VCF-style: chr2-220421425-C-A.
Other names: c.4087G>T, p.Val1363Phe (NM_001173431.2); short protein forms V1363F.
Identifiers: ClinVar variation 1916653 (VCV001916653.5), dbSNP rs2546218983, ClinGen allele CA350729871.